The following is an entry in ClinVar:

ClinVar aggregate classification (germline): Uncertain significance (1 of 4 stars; one submission).

Conditions:
Neurofibromatosis, type 1 (NF1). Also called: NEUROFIBROMATOSIS, TYPE I, SOMATIC; VON RECKLINGHAUSEN DISEASE; Peripheral type neurofibromatosis; Neurofibromatosis, type I. Identifiers: Orphanet 636, MedGen C0027831, MONDO:0018975, OMIM 162200. Disease mechanism: loss of function.

Submission:

Labcorp Genetics (formerly Invitae), Labcorp
Classification: Uncertain significance for Neurofibromatosis, type 1. Last evaluated: 2025-08-13. Review status: criteria provided, single submitter. Criteria: Invitae Variant Classification Sherloc (09022015). Collection method: clinical testing. Allele origin: germline.
Comment: This sequence change falls in intron 54 of the NF1 gene. It does not directly change the encoded amino acid sequence of the NF1 protein. This variant is not present in population databases (gnomAD no frequency). This variant has not been reported in the literature in individuals affected with NF1-related conditions. Algorithms developed to predict the effect of sequence changes on RNA splicing suggest that this variant may disrupt the consensus splice site. In summary, the available evidence is currently insufficient to determine the role of this variant in disease. Therefore, it has been classified as a Variant of Uncertain Significance.

NM_001042492.3(NF1):c.8113+15C>G

Gene: NF1 (neurofibromin 1; plus strand). Cytogenetic location: 17q11.2.
Variant type: single nucleotide variant.
Coding change: c.8113+15C>G on transcript NM_001042492.3 (MANE Select); 15 bases into the intron after coding-DNA position 8113, C replaced by G.
Molecular consequence: intron variant.
Genome position (GRCh38, 1-based): chr17:31,358,637, C>G. VCF-style: chr17-31358637-C-G. GRCh37 (hg19) VCF-style: chr17-29685655-C-G.
Other names: c.8050+15C>G (NM_000267.4).
Identifiers: ClinVar variation 4725393 (VCV004725393.1).